The following is an entry in ClinVar:

ClinVar aggregate classification (germline): Uncertain significance (1 of 4 stars; one submission).

Allele frequency attached by ClinVar (database versions not stated): TOPMed 0.00001.
gnomAD v4.1: 57 of 1,613,438 alleles (0.0035%); highest among the groups gnomAD compares: Non-Finnish European, 0.0045%; no homozygotes.

Submission:

Labcorp Genetics (formerly Invitae), Labcorp
Classification: Uncertain significance. Last evaluated: 2021-12-02. Review status: criteria provided, single submitter. Criteria: Invitae Variant Classification Sherloc (09022015). Collection method: clinical testing. Allele origin: germline.
Comment: In summary, the available evidence is currently insufficient to determine the role of this variant in disease. Therefore, it has been classified as a Variant of Uncertain Significance. Algorithms developed to predict the effect of missense changes on protein structure and function (SIFT, PolyPhen-2, Align-GVGD) all suggest that this variant is likely to be tolerated. This variant has not been reported in the literature in individuals affected with ARHGEF18-related conditions. This variant is present in population databases (rs150061737, gnomAD 0.002%). This sequence change replaces alanine, which is neutral and non-polar, with threonine, which is neutral and polar, at codon 319 of the ARHGEF18 protein (p.Ala319Thr).

NM_001367823.1(ARHGEF18):c.1519G>A (p.Ala507Thr)

Gene: ARHGEF18 (Rho/Rac guanine nucleotide exchange factor 18; plus strand). Cytogenetic location: 19p13.2.
Variant type: single nucleotide variant.
Coding change: c.1519G>A on transcript NM_001367823.1 (MANE Select); coding-DNA position 1519, G replaced by A.
Protein change: p.Ala507Thr; replaces alanine 507 with threonine.
Molecular consequence: missense variant.
Genome position (GRCh38, 1-based): chr19:7,444,362, G>A. VCF-style: chr19-7444362-G-A. GRCh37 (hg19) VCF-style: chr19-7509248-G-A.
Other names: c.793G>A, p.Ala265Thr (NM_001130955.2); c.481G>A, p.Ala161Thr (NM_001367824.1, NM_015318.4); short protein forms A265T, A161T, A507T.
Identifiers: ClinVar variation 1398661 (VCV001398661.6), dbSNP rs150061737, ClinGen allele CA9136490.